The following is an entry in ClinVar:

ClinVar aggregate classification (germline): Uncertain significance (1 of 4 stars; one submission).

Allele frequency attached by ClinVar (database versions not stated): gnomAD 0.00004 and 0.00005; TOPMed 0.00005; ESP Exome Variant Server 0.00008; gnomAD exomes 0.00008 and 0.00009; ExAC 0.00012; 1000 Genomes Project 30x 0.00031; 1000 Genomes Project 0.00040.

Submission:

Labcorp Genetics (formerly Invitae), Labcorp
Classification: Uncertain significance. Last evaluated: 2023-12-12. Review status: criteria provided, single submitter. Criteria: Invitae Variant Classification Sherloc (09022015). Collection method: clinical testing. Allele origin: germline.
Comment: This sequence change replaces arginine, which is basic and polar, with histidine, which is basic and polar, at codon 860 of the LRRK1 protein (p.Arg860His). This variant is present in population databases (rs142470911, gnomAD 0.08%). This variant has not been reported in the literature in individuals affected with LRRK1-related conditions. ClinVar contains an entry for this variant (Variation ID: 1491652). An algorithm developed to predict the effect of missense changes on protein structure and function (PolyPhen-2) suggests that this variant¬†is likely to be tolerated. In summary, the available evidence is currently insufficient to determine the role of this variant in disease. Therefore, it has been classified as a Variant of Uncertain Significance.

NM_024652.6(LRRK1):c.2579G>A (p.Arg860His)

Genes: LRRK1 (leucine rich repeat kinase 1; plus strand), LOC126862255 (CDK7 strongly-dependent group 2 enhancer GRCh37_chr15:101567313-101568512; plus strand). Cytogenetic location: 15q26.3.
Variant type: single nucleotide variant.
Coding change: c.2579G>A on transcript NM_024652.6 (MANE Select); coding-DNA position 2579, G replaced by A.
Protein change: p.Arg860His; replaces arginine 860 with histidine.
Molecular consequence: missense variant.
Genome position (GRCh38, 1-based): chr15:101,027,690, G>A. VCF-style: chr15-101027690-G-A. GRCh37 (hg19) VCF-style: chr15-101567895-G-A.
Other names: short protein forms R860H.
Identifiers: ClinVar variation 1491652 (VCV001491652.4), dbSNP rs142470911, ClinGen allele CA7761291.